The following is an entry in ClinVar:

NM_000204.5(CFI):c.822C>A (p.Ser274Arg)

Gene: CFI (complement factor I; minus strand). Cytogenetic location: 4q25.
Variant type: single nucleotide variant.
Coding change: c.822C>A on transcript NM_000204.5 (MANE Select); coding-DNA position 822, C replaced by A.
Protein change: p.Ser274Arg; replaces serine 274 with arginine.
Molecular consequence: missense variant. On other transcripts: non-coding transcript variant (3).
Genome position (GRCh38, 1-based): chr4:109,760,331, G>T on the plus strand (C>A on the coding strand, the complement: CFI is on the minus strand). VCF-style: chr4-109760331-G-T. GRCh37 (hg19) VCF-style: chr4-110681487-G-T.
Other names: c.822C>A, p.Ser274Arg (NM_001375283.1, NM_001318057.2, NM_001331035.2 and 5 more transcripts); c.213C>A, p.Ser71Arg (NM_001375284.1); short protein forms S71R, S274R.
Identifiers: ClinVar variation 3652045 (VCV003652045.2).

ClinVar aggregate classification (germline): Uncertain significance (1 of 4 stars; one submission).

gnomAD v4.1: 1 of 1,614,026 alleles (0.000062%); highest among the groups gnomAD compares: African/African-American, 0.0013%; no homozygotes.

Submission:

Labcorp Genetics (formerly Invitae), Labcorp
Classification: Uncertain significance. Last evaluated: 2024-05-03. Review status: criteria provided, single submitter. Criteria: Invitae Variant Classification Sherloc (09022015). Collection method: clinical testing. Allele origin: germline.
Comment: This sequence change replaces serine, which is neutral and polar, with arginine, which is basic and polar, at codon 274 of the CFI protein (p.Ser274Arg). This variant is not present in population databases (gnomAD no frequency). This variant has not been reported in the literature in individuals affected with CFI-related conditions. Advanced modeling of protein sequence and biophysical properties (such as structural, functional, and spatial information, amino acid conservation, physicochemical variation, residue mobility, and thermodynamic stability) performed at Invitae indicates that this missense variant is not expected to disrupt CFI protein function with a negative predictive value of 80%. In summary, the available evidence is currently insufficient to determine the role of this variant in disease. Therefore, it has been classified as a Variant of Uncertain Significance.